The following is an entry in ClinVar:

NM_005751.5(AKAP9):c.4360G>A (p.Ala1454Thr)

Gene: AKAP9 (A-kinase anchoring protein 9; plus strand). Cytogenetic location: 7q21.2.
Variant type: single nucleotide variant.
Coding change: c.4360G>A on transcript NM_005751.5 (MANE Select); coding-DNA position 4360, G replaced by A.
Protein change: p.Ala1454Thr; replaces alanine 1454 with threonine.
Molecular consequence: missense variant.
Genome position (GRCh38, 1-based): chr7:92,038,440, G>A. VCF-style: chr7-92038440-G-A. GRCh37 (hg19) VCF-style: chr7-91667754-G-A.
Other names: c.4360G>A, p.Ala1454Thr (NM_147185.3); short protein forms A1454T.
Identifiers: ClinVar variation 264112 (VCV000264112.7), dbSNP rs760328706, ClinGen allele CA4336568.

ClinVar aggregate classification (germline): Uncertain significance. Review status: criteria provided, multiple submitters, no conflicts (2 of 4 stars). 3 submissions from 3 submitters: Uncertain significance (3). Last evaluated 2021-08-18.

Conditions:
Long QT syndrome 11 (LQT11). Identifiers: Orphanet 101016, Orphanet 768, MedGen C2678483, MONDO:0012738, OMIM 611820.
Cardiovascular phenotype. Identifiers: MedGen CN230736.

Allele frequency attached by ClinVar (database versions not stated): gnomAD exomes below 0.00001; ExAC 0.00001.
gnomAD v4.1: 17 of 1,613,140 alleles (0.0011%); highest among the groups gnomAD compares: Non-Finnish European, 0.0014%; no homozygotes.

Submissions (3):

Fulgent Genetics
Classification: Uncertain significance for Long QT syndrome 11. Last evaluated: 2021-08-18. Review status: criteria provided, single submitter. Criteria: ACMG Guidelines, 2015. Collection method: clinical testing. Allele origin: unknown.

GeneDx
Classification: Uncertain significance. Last evaluated: 2017-02-27. Review status: criteria provided, single submitter. Criteria: GeneDx Variant Classification (06012015). Collection method: clinical testing. Allele origin: germline. Affected: yes.
Comment: The A1454T variant in the AKAP9 gene has not been reported previously as a pathogenic variant, nor as a benign variant, to our knowledge. The A1454T variant is not observed at a significant frequency in large population cohorts (Lek et al., 2016; 1000 Genomes Consortium et al., 2015; Exome Variant Server). The A1454T variant is a non-conservative amino acid substitution, which is likely to impact secondary protein structure as these residues differ in polarity, charge, size and/or other properties. This substitution occurs at a position that is conserved in mammals. However, this variant is not located in one of the KCNQ1 binding domains where the majority of pathogenic missense variants are reported. In silico analysis is inconsistent in its predictions as to whether or not the variant is damaging to the protein structure/function. We interpret A1454T as a variant of uncertain significance, which may be related to the reported prolonged QT interval in this individual.

Ambry Genetics
Classification: Uncertain significance for Cardiovascular phenotype. Last evaluated: 2015-06-29. Review status: criteria provided, single submitter. Criteria: Ambry Variant Classification Scheme 2023. Collection method: clinical testing. Allele origin: germline.
Comment: The p.A1454T variant (also known as c.4360G>A), located in coding exon 17 of the AKAP9 gene, results from a G to A substitution at nucleotide position 4360. The alanine at codon 1454 is replaced by threonine, an amino acid with similar properties. Based on data from ExAC, the A allele was reported in 1 of 119672 total alleles (Exome Aggregation Consortium (ExAC), Cambridge, MA (URL) [Accessed June 25, 2015]). This variant was not reported in population based cohorts in the following databases: Database of Single Nucleotide Polymorphisms (dbSNP), NHLBI Exome Sequencing Project (ESP), and 1000 Genomes Project. In the ESP, this variant was not observed in 6503 samples (13006 alleles) with coverage at this position. This amino acid position is well conserved in available vertebrate species, though threonine is the reference amino acid in one species. In addition, this alteration is predicted to be tolerated by in silico analysis. Since supporting evidence is limited at this time, the clinical significance of this variant remains unclear.